The following is an entry in ClinVar:

ClinVar aggregate classification (germline): Pathogenic (1 of 4 stars; one submission).

Conditions:
Congenital lactic acidosis, Saguenay-Lac-Saint-Jean type (MC4DN5). Also called: CYTOCHROME c OXIDASE DEFICIENCY, FRENCH CANADIAN TYPE; COX DEFICIENCY, FRENCH CANADIAN TYPE; MITOCHONDRIAL COMPLEX IV DEFICIENCY, NUCLEAR TYPE 5. Identifiers: Orphanet 70472, MedGen C1857355, MONDO:0009069, OMIM 220111.

Submission:

Myriad Genetics, Inc.
Classification: Pathogenic for Congenital lactic acidosis, Saguenay-Lac-Saint-Jean type. Last evaluated: 2025-09-11. Review status: criteria provided, single submitter. Criteria: Myriad Autosomal Dominant, Autosomal Recessive and X-Linked Classification Criteria (2023). Collection method: clinical testing. Allele origin: unknown.
Comment: NM_133259.3(LRPPRC):c.3246T>G(Y1082*) is expected to be pathogenic in the context of Leigh syndrome, French-Canadian type. This variant is predicted to lead to an abnormal or absent protein product due to the creation of a premature termination codon in LRPPRC, a gene where loss-of-function variants are known to be pathogenic. Please note: this variant was assessed in the context of healthy population screening.

NM_133259.4(LRPPRC):c.3246T>G (p.Tyr1082Ter)

Gene: LRPPRC (leucine rich pentatricopeptide repeat containing; minus strand). Cytogenetic location: 2p21.
Variant type: single nucleotide variant.
Coding change: c.3246T>G on transcript NM_133259.4 (MANE Select); coding-DNA position 3246, T replaced by G.
Protein change: p.Tyr1082Ter; replaces tyrosine 1082 with a stop codon.
Molecular consequence: nonsense.
Genome position (GRCh38, 1-based): chr2:43,912,461, A>C on the plus strand (T>G on the coding strand, the complement: LRPPRC is on the minus strand). VCF-style: chr2-43912461-A-C. GRCh37 (hg19) VCF-style: chr2-44139600-A-C.
Other names: short protein forms Y1082*.
Identifiers: ClinVar variation 5014965 (VCV005014965.1).
Genomic context (GRCh38, chr2:43,912,461, plus strand): 5'-CAAGAGGTTTAATAAATGGACTAACACTTACAATGCTTTCACTTCCATTGCTTGTGTAAA[A>C]TAATCTTCTGACATCAGTAATTTAATGAGATTGCTGTAGGTTTCAGCATTAAACACAATG-3'